The following is an entry in ClinVar:

NM_000484.4(APP):c.-4C>T

Gene: APP (amyloid beta precursor protein; minus strand). Cytogenetic location: 21q21.3.
Variant type: single nucleotide variant.
Coding change: c.-4C>T on transcript NM_000484.4 (MANE Select); 4 bases upstream of the start codon, C replaced by T.
Molecular consequence: 5 prime UTR variant. On other transcripts: intron variant (1).
Genome position (GRCh38, 1-based): chr21:26,170,624, G>A on the plus strand (C>T on the coding strand, the complement: APP is on the minus strand). VCF-style: chr21-26170624-G-A. GRCh37 (hg19) VCF-style: chr21-27542942-G-A.
Other names: c.-4C>T (NM_001136129.3, NM_001136130.3, NM_001204301.2 and 5 more transcripts); c.-49+361C>T (NM_001136131.3).
Identifiers: ClinVar variation 3036106 (VCV003036106.2), dbSNP rs1430260740, ClinGen allele CA637453980.
Genomic context (GRCh38, chr21:26,170,624, plus strand): 5'-CTCCAGCGCCCGAGCCGTCCAGGCGGCCAGCAGGAGCAGTGCCAAACCGGGCAGCATCGC[G>A]ACCCTGCGCGGGGCACCGAGTGCGCTGCTGTGCGAGTGGGATCCGCCGCGTCCTTGCTCT-3'

ClinVar aggregate classification (germline): Likely benign (0 of 4 stars; one submission).

Conditions:
APP-related disorder. Also called: APP-related condition.

gnomAD v4.1: 1 of 1,534,692 alleles (0.000065%); no homozygotes.

Submission:

PreventionGenetics, part of Exact Sciences
Classification: Likely benign for APP-related condition. Last evaluated: 2024-01-02. Review status: no assertion criteria provided. Collection method: clinical testing. Allele origin: germline.
Comment: This variant is classified as likely benign based on ACMG/AMP sequence variant interpretation guidelines (Richards et al. 2015 PMID: 25741868, with internal and published modifications).